The following is an entry in ClinVar:

ClinVar aggregate classification (germline): Conflicting classifications of pathogenicity. Review status: criteria provided, conflicting classifications (1 of 4 stars). 2 submissions from 2 submitters: Uncertain significance (1); Likely benign (1). Last evaluated 2026-03-10.

Conditions:
Familial sleep-related hypermotor epilepsy. Also called: Autosomal Dominant Sleep-Related Hypermotor (Hyperkinetic) Epilepsy. Identifiers: Orphanet 98784, MedGen C3696898, MONDO:0000030.

Allele frequency attached by ClinVar (database versions not stated): gnomAD exomes 0.00001; gnomAD 0.00003 and 0.00004; TOPMed 0.00003.

Submissions (2):

Women's Health and Genetics/Laboratory Corporation of America, LabCorp
Classification: Uncertain significance. Last evaluated: 2026-03-10. Review status: criteria provided, single submitter. Criteria: LabCorp Variant Classification Summary - May 2015. Collection method: clinical testing. Allele origin: germline.
Comment: Variant summary: CHRNA4 c.1708G>C (p.Gly570Arg) results in a non-conservative amino acid change in the encoded protein sequence. Algorithms developed to predict the effect of missense changes on protein structure and function all suggest that this variant is likely to be disruptive. The variant allele was found at a frequency of 1.6e-05 in 248290 control chromosomes. The available data on variant occurrences in the general population are insufficient to allow any conclusion about variant significance. c.1708G>C has been observed in cis with the CHRNA4 c.742A>T (Ile248Phe) variant in three family members, from three generations, with sleep-related hypermotor epilepsy (example: Langenbruch_2020). This report does not provide unequivocal conclusions about association of the c.1708G>C variant with Epilepsy, Nocturnal Frontal Lobe, Type 1. To our knowledge, no experimental evidence demonstrating an impact on protein function has been reported. The following publication has been ascertained in the context of this evaluation (PMID: 32031532). ClinVar contains an entry for this variant (Variation ID: 968716). Based on the evidence outlined above, the variant was classified as uncertain significance.

Labcorp Genetics (formerly Invitae), Labcorp
Classification: Likely benign. Last evaluated: 2024-10-23. Review status: criteria provided, single submitter. Criteria: Invitae Variant Classification Sherloc (09022015). Collection method: clinical testing. Allele origin: germline.

Literature cited by the submitters: PubMed 32031532 (cited by Women's Health and Genetics/Laboratory Corporation of America, LabCorp).

NM_000744.7(CHRNA4):c.1708G>C (p.Gly570Arg)

Gene: CHRNA4 (cholinergic receptor nicotinic alpha 4 subunit; minus strand). Cytogenetic location: 20q13.33.
Variant type: single nucleotide variant.
Coding change: c.1708G>C on transcript NM_000744.7 (MANE Select); coding-DNA position 1708, G replaced by C.
Protein change: p.Gly570Arg; replaces glycine 570 with arginine.
Molecular consequence: missense variant. On other transcripts: non-coding transcript variant (1).
Genome position (GRCh38, 1-based): chr20:63,349,703, C>G on the plus strand (G>C on the coding strand, the complement: CHRNA4 is on the minus strand). VCF-style: chr20-63349703-C-G. GRCh37 (hg19) VCF-style: chr20-61981055-C-G.
Other names: c.1180G>C, p.Gly394Arg (NM_001256573.2); short protein forms G570R, G394R.
Identifiers: ClinVar variation 968716 (VCV000968716.9), dbSNP rs771468419, ClinGen allele CA9957544.